The following is an entry in ClinVar:

NM_138459.5(NUS1):c.223G>T (p.Gly75Trp)

Gene: NUS1 (NUS1 dehydrodolichyl diphosphate synthase subunit; plus strand). Cytogenetic location: 6q22.1.
Variant type: single nucleotide variant.
Coding change: c.223G>T on transcript NM_138459.5 (MANE Select); coding-DNA position 223, G replaced by T.
Protein change: p.Gly75Trp; replaces glycine 75 with tryptophan.
Molecular consequence: missense variant.
Genome position (GRCh38, 1-based): chr6:117,675,893, G>T. VCF-style: chr6-117675893-G-T. GRCh37 (hg19) VCF-style: chr6-117997056-G-T.
Other names: short protein forms G75W.
Identifiers: ClinVar variation 1717518 (VCV001717518.5), dbSNP rs2481983114, ClinGen allele CA365536153.

ClinVar aggregate classification (germline): Uncertain significance (1 of 4 stars; one submission).

Conditions:
Congenital disorder of glycosylation, type Iaa. Also called: Congenital disorder of glycosylation, type 1aa. Identifiers: MedGen C4310727, MONDO:0014904, OMIM 617082.

Allele frequency attached by ClinVar (database versions not stated): gnomAD exomes below 0.00001.
gnomAD v4.1: 3 of 1,537,196 alleles (0.0002%); highest among the groups gnomAD compares: South Asian, 0.0036%; no homozygotes.

Submission:

Labcorp Genetics (formerly Invitae), Labcorp
Classification: Uncertain significance for Congenital disorder of glycosylation, type Iaa. Last evaluated: 2025-02-17. Review status: criteria provided, single submitter. Criteria: Invitae Variant Classification Sherloc (09022015). Collection method: clinical testing. Allele origin: germline.
Comment: This sequence change replaces glycine, which is neutral and non-polar, with tryptophan, which is neutral and slightly polar, at codon 75 of the NUS1 protein (p.Gly75Trp). This variant is not present in population databases (gnomAD no frequency). This variant has not been reported in the literature in individuals affected with NUS1-related conditions. ClinVar contains an entry for this variant (Variation ID: 1717518). An algorithm developed to predict the effect of missense changes on protein structure and function (PolyPhen-2) suggests that this variant is likely to be tolerated. In summary, the available evidence is currently insufficient to determine the role of this variant in disease. Therefore, it has been classified as a Variant of Uncertain Significance.